The following is an entry in ClinVar:

NM_000018.4(ACADVL):c.740A>C (p.Lys247Thr)

Gene: ACADVL (acyl-CoA dehydrogenase very long chain; plus strand). Cytogenetic location: 17p13.1.
Variant type: single nucleotide variant.
Coding change: c.740A>C on transcript NM_000018.4 (MANE Select); coding-DNA position 740, A replaced by C.
Protein change: p.Lys247Thr; replaces lysine 247 with threonine.
Molecular consequence: missense variant.
Genome position (GRCh38, 1-based): chr17:7,222,069, A>C. VCF-style: chr17-7222069-A-C. GRCh37 (hg19) VCF-style: chr17-7125388-A-C.
Other names: c.674A>C, p.Lys225Thr (NM_001033859.3); c.809A>C, p.Lys270Thr (NM_001270447.2); c.512A>C, p.Lys171Thr (NM_001270448.2); short protein forms K225T, K171T, K270T, K247T.
Identifiers: ClinVar variation 2137891 (VCV002137891.4), dbSNP rs2142977168, ClinGen allele CA397723575.

ClinVar aggregate classification (germline): Likely pathogenic (1 of 4 stars; one submission).

Conditions:
Very long chain acyl-CoA dehydrogenase deficiency (ACADVLD). Also called: VLCAD Deficiency; Very Long-Chain Acyl-Coenzyme A Dehydrogenase Deficiency. Identifiers: Orphanet 26793, MedGen C3887523, MONDO:0008723, OMIM 201475.

Submission:

Labcorp Genetics (formerly Invitae), Labcorp
Classification: Likely pathogenic for Very long chain acyl-CoA dehydrogenase deficiency. Last evaluated: 2022-10-03. Review status: criteria provided, single submitter. Criteria: Invitae Variant Classification Sherloc (09022015). Collection method: clinical testing. Allele origin: germline.
Comment: This variant disrupts the p.Lys247 amino acid residue in ACADVL. Other variant(s) that disrupt this residue have been determined to be pathogenic (PMID: 10790204). This suggests that this residue is clinically significant, and that variants that disrupt this residue are likely to be disease-causing. Advanced modeling of protein sequence and biophysical properties (such as structural, functional, and spatial information, amino acid conservation, physicochemical variation, residue mobility, and thermodynamic stability) performed at Invitae indicates that this missense variant is expected to disrupt ACADVL protein function. This variant is also known as K207T. This missense change has been observed in individual(s) with very long-chain acyl-CoA dehydrogenase deficiency (PMID: 9973285). This variant is not present in population databases (gnomAD no frequency). This sequence change replaces lysine, which is basic and polar, with threonine, which is neutral and polar, at codon 247 of the ACADVL protein (p.Lys247Thr). In summary, the currently available evidence indicates that the variant is pathogenic, but additional data are needed to prove that conclusively. Therefore, this variant has been classified as Likely Pathogenic.

Literature cited by the submitters: PubMed 10790204; PubMed 9973285.